The following is an entry in ClinVar:

NM_024652.6(LRRK1):c.4445C>T (p.Pro1482Leu)

Genes: LRRK1 (leucine rich repeat kinase 1; plus strand), LRRK1-AS1 (LRRK1 antisense RNA 1; minus strand). Cytogenetic location: 15q26.3.
Variant type: single nucleotide variant.
Coding change: c.4445C>T on transcript NM_024652.6 (MANE Select); coding-DNA position 4445, C replaced by T.
Protein change: p.Pro1482Leu; replaces proline 1482 with leucine.
Molecular consequence: missense variant.
Genome position (GRCh38, 1-based): chr15:101,056,968, C>T. VCF-style: chr15-101056968-C-T. GRCh37 (hg19) VCF-style: chr15-101597173-C-T.
Other names: short protein forms P1482L.
Identifiers: ClinVar variation 1461111 (VCV001461111.6), dbSNP rs2035845790, ClinGen allele CA393954779.
Genomic context (GRCh38, chr15:101,056,968, plus strand): 5'-GCCCTGCACTGGGCCACCACCAGCTCCAGATTGCCAAGAAGCTGTCCAAGGGCATCCGCC[C>T]GGTTCTGGGGCAGCCGGAGGAAGTGCAGTTCCGGCGACTGCAGGCGCTCATGATGGAGTG-3'
Protein context (NP_078928.3, residues 1472-1492): IAKKLSKGIR[Pro1482Leu]VLGQPEEVQF

ClinVar aggregate classification (germline): Uncertain significance (1 of 4 stars; one submission).

gnomAD v4.1: 7 of 1,614,172 alleles (0.00043%); highest among the groups gnomAD compares: Non-Finnish European, 0.00059%; no homozygotes.

Submission:

Labcorp Genetics (formerly Invitae), Labcorp
Classification: Uncertain significance. Last evaluated: 2021-11-05. Review status: criteria provided, single submitter. Criteria: Invitae Variant Classification Sherloc (09022015). Collection method: clinical testing. Allele origin: germline.
Comment: This variant has not been reported in the literature in individuals affected with LRRK1-related conditions. This sequence change replaces proline, which is neutral and non-polar, with leucine, which is neutral and non-polar, at codon 1482 of the LRRK1 protein (p.Pro1482Leu). This variant is not present in population databases (gnomAD no frequency). Algorithms developed to predict the effect of missense changes on protein structure and function are either unavailable or do not agree on the potential impact of this missense change (SIFT: "Deleterious"; PolyPhen-2: "Probably Damaging"; Align-GVGD: "Class C0"). In summary, the available evidence is currently insufficient to determine the role of this variant in disease. Therefore, it has been classified as a Variant of Uncertain Significance.